The following is an entry in ClinVar:

NM_018100.4(EFHC1):c.1549_1559delinsTTTTGAAATACA (p.Glu517_Ala520delinsPheTer)

Gene: EFHC1 (EF-hand domain containing 1; plus strand). Cytogenetic location: 6p12.2.
Variant type: Indel.
Coding change: c.1549_1559delinsTTTTGAAATACA on transcript NM_018100.4 (MANE Select); coding-DNA positions 1549 to 1559, GAGAGCAACGC replaced by TTTTGAAATACA.
Protein change: p.Glu517_Ala520delinsPheTer.
Molecular consequence: nonsense. On other transcripts: non-coding transcript variant (1).
Genome position (GRCh38, 1-based): chr6:52,479,696-52,479,706, GAGAGCAACGC replaced by TTTTGAAATACA. VCF-style: chr6-52479696-GAGAGCAACGC-TTTTGAAATACA. GRCh37 (hg19) VCF-style: chr6-52344494-GAGAGCAACGC-TTTTGAAATACA.
Other names: c.1492_1502delinsTTTTGAAATACA, p.Glu498_Ala501delinsPheTer (NM_001172420.2); c.1549_1559delinsTTTTGAAATACA (NM_018100.3).
Identifiers: ClinVar variation 534105 (VCV000534105.4), dbSNP rs1554261668, ClinGen allele CA658796778.

ClinVar aggregate classification (germline): Uncertain significance (1 of 4 stars; one submission).

Conditions:
Typical absence seizure. Identifiers: MedGen C5551411, HP:0011147.
Myoclonic epilepsy, juvenile, susceptibility to, 1. Also called: Myoclonic Epilepsy, Juvenile, 1; EJM1. Identifiers: MedGen C1850778, MONDO:0020752, OMIM 254770.

Submission:

Labcorp Genetics (formerly Invitae), Labcorp
Classification: Uncertain significance for Myoclonic epilepsy, juvenile, susceptibility to, 1; Absence seizure. Last evaluated: 2020-03-20. Review status: criteria provided, single submitter. Criteria: Invitae Variant Classification Sherloc (09022015). Collection method: clinical testing. Allele origin: germline.
Comment: This sequence change creates a premature translational stop signal (p.Glu517Phefs*2) in the EFHC1 gene. It is expected to result in an absent or disrupted protein product. This variant is not present in population databases (ExAC no frequency). This variant has not been reported in the literature in individuals with EFHC1-related conditions. ClinVar contains an entry for this variant (Variation ID: 534105). The current clinical and genetic evidence is not sufficient to establish whether loss-of-function variants in EFHC1 cause disease. In summary, the available evidence is currently insufficient to determine the role of this variant in disease. Therefore, it has been classified as a Variant of Uncertain Significance.